The following is an entry in ClinVar:

NM_020821.3(VPS13C):c.9527G>A (p.Arg3176His)

Gene: VPS13C (vacuolar protein sorting 13 homolog C; minus strand). Cytogenetic location: 15q22.2.
Variant type: single nucleotide variant.
Coding change: c.9527G>A on transcript NM_020821.3 (MANE Select); coding-DNA position 9527, G replaced by A.
Protein change: p.Arg3176His; replaces arginine 3176 with histidine.
Molecular consequence: missense variant.
Genome position (GRCh38, 1-based): chr15:61,882,693, C>T on the plus strand (G>A on the coding strand, the complement: VPS13C is on the minus strand). VCF-style: chr15-61882693-C-T. GRCh37 (hg19) VCF-style: chr15-62174892-C-T.
Other names: c.9527G>A, p.Arg3176His (NM_001018088.3); c.9398G>A, p.Arg3133His (NM_017684.5, NM_018080.4); short protein forms R3133H, R3176H.
Identifiers: ClinVar variation 1441316 (VCV001441316.6), dbSNP rs200812059, ClinGen allele CA7594618.
Genomic context (GRCh38, chr15:61,882,693, plus strand): 5'-TGAGAAGACTGCTTAAATTCAATCTGAATTCCTGATAAAAAGTCTCGTTTAATAGGGCTA[C>T]GAATAGGGAGGCGCATTTCCATTGGATCTTTATCAAAATTGACCTAGAAAAAAAGCACAT-3'
Protein context (NP_065872.1, residues 3166-3186): KDPMEMRLPI[Arg3176His]SPIKRDFLSG

ClinVar aggregate classification (germline): Uncertain significance. Review status: criteria provided, multiple submitters, no conflicts (2 of 4 stars). 2 submissions from 2 submitters: Uncertain significance (2). Last evaluated 2021-12-10.

Allele frequency attached by ClinVar (database versions not stated): ExAC 0.00003; gnomAD 0.00003 and 0.00004; TOPMed 0.00005.
gnomAD v4.1: 56 of 1,594,358 alleles (0.0035%); highest among the groups gnomAD compares: African/African-American, 0.011%; no homozygotes.

Submissions (2):

Labcorp Genetics (formerly Invitae), Labcorp
Classification: Uncertain significance. Last evaluated: 2021-12-10. Review status: criteria provided, single submitter. Criteria: Invitae Variant Classification Sherloc (09022015). Collection method: clinical testing. Allele origin: germline.
Comment: In summary, the available evidence is currently insufficient to determine the role of this variant in disease. Therefore, it has been classified as a Variant of Uncertain Significance. Algorithms developed to predict the effect of missense changes on protein structure and function output the following: SIFT: "Tolerated"; PolyPhen-2: "Benign"; Align-GVGD: "Class C0". The histidine amino acid residue is found in multiple mammalian species, which suggests that this missense change does not adversely affect protein function. This variant has not been reported in the literature in individuals affected with VPS13C-related conditions. This variant is present in population databases (rs200812059, gnomAD 0.01%). This sequence change replaces arginine, which is basic and polar, with histidine, which is basic and polar, at codon 3176 of the VPS13C protein (p.Arg3176His).

Breakthrough Genomics
Classification: Uncertain significance. Review status: criteria provided, single submitter. Criteria: ACMG Guidelines, 2015. Collection method: not provided. Allele origin: germline. Inheritance: Autosomal recessive inheritance. Affected: yes.